The following is an entry in ClinVar:

ClinVar aggregate classification (germline): Uncertain significance (1 of 4 stars; one submission).

gnomAD v4.1: 8 of 1,604,580 alleles (0.0005%); highest among the groups gnomAD compares: Admixed American, 0.0017%; no homozygotes.

Submission:

Labcorp Genetics (formerly Invitae), Labcorp
Classification: Uncertain significance. Last evaluated: 2024-08-29. Review status: criteria provided, single submitter. Criteria: Invitae Variant Classification Sherloc (09022015). Collection method: clinical testing. Allele origin: germline.
Comment: This sequence change replaces leucine, which is neutral and non-polar, with phenylalanine, which is neutral and non-polar, at codon 101 of the CYC1 protein (p.Leu101Phe). This variant is not present in population databases (gnomAD no frequency). This variant has not been reported in the literature in individuals affected with CYC1-related conditions. Invitae Evidence Modeling of protein sequence and biophysical properties (such as structural, functional, and spatial information, amino acid conservation, physicochemical variation, residue mobility, and thermodynamic stability) indicates that this missense variant is not expected to disrupt CYC1 protein function with a negative predictive value of 80%. In summary, the available evidence is currently insufficient to determine the role of this variant in disease. Therefore, it has been classified as a Variant of Uncertain Significance.

NM_001916.5(CYC1):c.301C>T (p.Leu101Phe)

Gene: CYC1 (cytochrome c1; plus strand). Cytogenetic location: 8q24.3.
Variant type: single nucleotide variant.
Coding change: c.301C>T on transcript NM_001916.5 (MANE Select); coding-DNA position 301, C replaced by T.
Protein change: p.Leu101Phe; replaces leucine 101 with phenylalanine.
Molecular consequence: missense variant.
Genome position (GRCh38, 1-based): chr8:144,096,004, C>T. VCF-style: chr8-144096004-C-T. GRCh37 (hg19) VCF-style: chr8-145150907-C-T.
Other names: short protein forms L101F.
Identifiers: ClinVar variation 3673830 (VCV003673830.2).